The following is an entry in ClinVar:

NM_004006.3(DMD):c.2555G>T (p.Trp852Leu)

Gene: DMD (dystrophin; minus strand). Cytogenetic location: Xp21.1.
Variant type: single nucleotide variant.
Coding change: c.2555G>T on transcript NM_004006.3 (MANE Select); coding-DNA position 2555, G replaced by T.
Protein change: p.Trp852Leu; replaces tryptophan 852 with leucine.
Molecular consequence: missense variant.
Genome position (GRCh38, 1-based): chrX:32,491,344, C>A on the plus strand (G>T on the coding strand, the complement: DMD is on the minus strand). VCF-style: chrX-32491344-C-A. GRCh37 (hg19) VCF-style: chrX-32509461-C-A.
Other names: c.2531G>T, p.Trp844Leu (NM_000109.4); c.2543G>T, p.Trp848Leu (NM_004009.3); c.2186G>T, p.Trp729Leu (NM_004010.3); short protein forms W848L, W844L, W852L, W729L.
Identifiers: ClinVar variation 3006136 (VCV003006136.4), dbSNP rs1064793964, ClinGen allele CA412672074.
Genomic context (GRCh38, chrX:32,491,344, plus strand): 5'-ATTTTTAACTGACTTTTAATTGCTGTTGGCTCTGATGGGGTGGTGGGTTGGATTTTCAAC[C>A]AGTTTTCAGCAGTAGTTGTCATCTGCTCCAATTGTTGTAGCTGATTATAGAAAGCGATGA-3'
Protein context (NP_003997.2, residues 842-862): LEQMTTTAEN[Trp852Leu]LKIQPTTPSE

ClinVar aggregate classification (germline): Conflicting classifications of pathogenicity. Review status: criteria provided, conflicting classifications (1 of 4 stars). 2 submissions from 2 submitters: Uncertain significance (1); Likely benign (1). Last evaluated 2025-06-04.

Conditions:
Duchenne muscular dystrophy (DMD). Also called: MUSCULAR DYSTROPHY, PSEUDOHYPERTROPHIC PROGRESSIVE, DUCHENNE TYPE; Duchenne Muscular Dystrophy (DMD). Identifiers: Orphanet 98896, MedGen C0013264, MONDO:0010679, OMIM 310200.

Allele frequency attached by ClinVar (database versions not stated): gnomAD exomes below 0.00001.
gnomAD v4.1: 1 of 1,210,505 alleles (0.000083%); highest among the groups gnomAD compares: South Asian, 0.0018%; no homozygotes.

Submissions (2):

Women's Health and Genetics/Laboratory Corporation of America, LabCorp
Classification: Uncertain significance. Last evaluated: 2025-06-04. Review status: criteria provided, single submitter. Criteria: LabCorp Variant Classification Summary - May 2015. Collection method: clinical testing. Allele origin: germline.
Comment: Variant summary: DMD c.2555G>T (p.Trp852Leu) results in a non-conservative amino acid change in the encoded protein sequence. Algorithms developed to predict the effect of missense changes on protein structure and function are either unavailable or do not agree on the potential impact of this missense change. The variant allele was found at a frequency of 5.5e-06 in 183474 control chromosomes. The available data on variant occurrences in the general population are insufficient to allow any conclusion about variant significance. To our knowledge, no occurrence of c.2555G>T in individuals affected with Dystrophinopathies and no experimental evidence demonstrating its impact on protein function have been reported. ClinVar contains an entry for this variant (Variation ID: 3006136). Based on the evidence outlined above, the variant was classified as uncertain significance.

Labcorp Genetics (formerly Invitae), Labcorp
Classification: Likely benign for Duchenne muscular dystrophy. Last evaluated: 2023-06-02. Review status: criteria provided, single submitter. Criteria: Invitae Variant Classification Sherloc (09022015). Collection method: clinical testing. Allele origin: germline.